The following is an entry in ClinVar:

ClinVar aggregate classification (germline): Uncertain significance (1 of 4 stars; one submission).

Conditions:
Multiple endocrine neoplasia, type 1 (MEN1). Also called: MEN I; WERMER SYNDROME; Endocrine adenomatosis multiple; MEN 1; MEA I. Identifiers: Orphanet 652, MedGen C0025267, MeSH D018761, MONDO:0007540, OMIM 131100.

Submission:

Labcorp Genetics (formerly Invitae), Labcorp
Classification: Uncertain significance for Multiple endocrine neoplasia, type 1. Last evaluated: 2022-11-29. Review status: criteria provided, single submitter. Criteria: Invitae Variant Classification Sherloc (09022015). Collection method: clinical testing. Allele origin: germline.
Comment: This variant is not present in population databases (gnomAD no frequency). This sequence change replaces lysine, which is basic and polar, with threonine, which is neutral and polar, at codon 576 of the MEN1 protein (p.Lys576Thr). This variant has not been reported in the literature in individuals affected with MEN1-related conditions. ClinVar contains an entry for this variant (Variation ID: 956349). Advanced modeling of protein sequence and biophysical properties (such as structural, functional, and spatial information, amino acid conservation, physicochemical variation, residue mobility, and thermodynamic stability) performed at Invitae indicates that this missense variant is expected to disrupt MEN1 protein function. In summary, the available evidence is currently insufficient to determine the role of this variant in disease. Therefore, it has been classified as a Variant of Uncertain Significance.

NM_001370259.2(MEN1):c.1727A>C (p.Lys576Thr)

Gene: MEN1 (menin 1; minus strand). Cytogenetic location: 11q13.1.
Variant type: single nucleotide variant.
Coding change: c.1727A>C on transcript NM_001370259.2 (MANE Select); coding-DNA position 1727, A replaced by C.
Protein change: p.Lys576Thr; replaces lysine 576 with threonine.
Molecular consequence: missense variant.
Genome position (GRCh38, 1-based): chr11:64,804,440, T>G on the plus strand (A>C on the coding strand, the complement: MEN1 is on the minus strand). VCF-style: chr11-64804440-T-G. GRCh37 (hg19) VCF-style: chr11-64571912-T-G.
Other names: c.1742A>C, p.Lys581Thr (NM_000244.4, NM_130800.3, NM_130801.3 and 3 more transcripts); c.1853A>C, p.Lys618Thr (NM_001370251.2); c.1727A>C, p.Lys576Thr (NM_001370260.2, NM_001370261.2, NM_130799.3); c.1622A>C, p.Lys541Thr (NM_001370262.2, NM_001370263.2); short protein forms K618T, K576T, K541T, K581T.
Identifiers: ClinVar variation 956349 (VCV000956349.9), dbSNP rs1941495030, ClinGen allele CA381177552.